The following is an entry in ClinVar:

ClinVar aggregate classification (germline): Uncertain significance (1 of 4 stars; one submission).

Conditions:
Cardiomyopathy (CMYO). Also called: Cardiomyopathies. Identifiers: Orphanet 167848, MedGen C0878544, MONDO:0004994, HP:0001638. Inheritance: Various modes of inheritance.

gnomAD v4.1: 2 of 1,601,546 alleles (0.00012%); highest among the groups gnomAD compares: Non-Finnish European, 0.00017%; no homozygotes.

Submission:

Color Diagnostics, LLC DBA Color Health
Classification: Uncertain significance for Cardiomyopathy. Last evaluated: 2024-07-26. Review status: criteria provided, single submitter. Criteria: ACMG Guidelines, 2015. Collection method: clinical testing. Allele origin: germline.
Comment: This missense variant replaces alanine with valine at codon 4453 of the RYR2 protein. Computational prediction suggests that this variant may not impact protein structure and function (internally defined REVEL score threshold <= 0.5, PMID: 27666373). To our knowledge, functional studies have not been reported for this variant. This variant has not been reported in individuals affected with RYR2-related disorders in the literature. This variant has been identified in 1/31384 chromosomes in the general population by the Genome Aggregation Database (gnomAD). The available evidence is insufficient to determine the role of this variant in disease conclusively. Therefore, this variant is classified as a Variant of Uncertain Significance.

NM_001035.3(RYR2):c.13358C>T (p.Ala4453Val)

Gene: RYR2 (ryanodine receptor 2; plus strand). Cytogenetic location: 1q43.
Variant type: single nucleotide variant.
Coding change: c.13358C>T on transcript NM_001035.3 (MANE Select); coding-DNA position 13358, C replaced by T.
Protein change: p.Ala4453Val; replaces alanine 4453 with valine.
Molecular consequence: missense variant.
Genome position (GRCh38, 1-based): chr1:237,788,017, C>T. VCF-style: chr1-237788017-C-T. GRCh37 (hg19) VCF-style: chr1-237951317-C-T.
Other names: short protein forms A4453V.
Identifiers: ClinVar variation 3894516 (VCV003894516.1).